The following is an entry in ClinVar:

NM_021083.4(XK):c.664C>T (p.Arg222Ter)

Gene: XK (X-linked Kx blood group antigen, Kell and VPS13A binding protein; plus strand). Cytogenetic location: Xp21.1.
Variant type: single nucleotide variant.
Coding change: c.664C>T on transcript NM_021083.4 (MANE Select); coding-DNA position 664, C replaced by T.
Protein change: p.Arg222Ter; replaces arginine 222 with a stop codon.
Molecular consequence: nonsense.
Genome position (GRCh38, 1-based): chrX:37,727,791, C>T. VCF-style: chrX-37727791-C-T. GRCh37 (hg19) VCF-style: chrX-37587044-C-T.
Other names: short protein forms R222*.
Identifiers: ClinVar variation 1299565 (VCV001299565.26), dbSNP rs2146834483, ClinGen allele CA412973958.

ClinVar aggregate classification (germline): Pathogenic/Likely pathogenic. Review status: criteria provided, multiple submitters, no conflicts (2 of 4 stars). 2 submissions from 2 submitters: Pathogenic (1); Likely pathogenic (1). Last evaluated 2023-07-01.

Conditions:
XK-related neurodegenerative disease. Also called: MCLEOD SYNDROME; McLeod neuroacanthocytosis syndrome; X-linked McLeod syndrome; NEUROACANTHOCYTOSIS, MCLEOD TYPE; MCLEOD PHENOTYPE. Identifiers: Orphanet 59306, MedGen C0398568, MONDO:0018945, OMIM 300842. Disease mechanism: loss of function.

Submissions (2):

CeGaT Center for Human Genetics Tuebingen
Classification: Likely pathogenic. Last evaluated: 2023-07-01. Review status: criteria provided, single submitter. Criteria: CeGaT Center For Human Genetics Tuebingen Variant Classification Criteria Version 2. Collection method: clinical testing. Allele origin: germline. Affected: yes. Observed: 1 variant allele.
Comment: XK: PVS1:Strong, PM2, PS3:Supporting

Laboratory of Medical Genetics, National & Kapodistrian University of Athens
Classification: Pathogenic for XK-related neurodegenerative disease. Last evaluated: 2021-08-10. Review status: criteria provided, single submitter. Criteria: ACMG Guidelines, 2015. Collection method: clinical testing. Allele origin: unknown. Affected: yes.
Comment: PVS1, PM2, PP3